The following is an entry in ClinVar:

ClinVar aggregate classification (germline): Conflicting classifications of pathogenicity. Review status: criteria provided, conflicting classifications (1 of 4 stars). 3 submissions from 3 submitters: Uncertain significance (2); Likely benign (1). Last evaluated 2025-03-27.

Conditions:
Familial sleep-related hypermotor epilepsy. Also called: Autosomal Dominant Sleep-Related Hypermotor (Hyperkinetic) Epilepsy. Identifiers: Orphanet 98784, MedGen C3696898, MONDO:0000030.
Inborn genetic diseases. Identifiers: MedGen C0950123, MeSH D030342.

Allele frequency attached by ClinVar (database versions not stated): ExAC 0.00002; gnomAD exomes 0.00001; gnomAD 0.00001; TOPMed 0.00001; ESP Exome Variant Server 0.00008.

Submissions (3):

Ambry Genetics
Classification: Uncertain significance for Inborn genetic diseases. Last evaluated: 2025-03-27. Review status: criteria provided, single submitter. Criteria: Ambry Variant Classification Scheme 2023. Collection method: clinical testing. Allele origin: germline.

Labcorp Genetics (formerly Invitae), Labcorp
Classification: Uncertain significance. Last evaluated: 2023-02-09. Review status: criteria provided, single submitter. Criteria: Invitae Variant Classification Sherloc (09022015). Collection method: clinical testing. Allele origin: germline.
Comment: This sequence change replaces alanine, which is neutral and non-polar, with valine, which is neutral and non-polar, at codon 511 of the CHRNA4 protein (p.Ala511Val). This variant is present in population databases (rs368476334, gnomAD 0.007%). This variant has not been reported in the literature in individuals affected with CHRNA4-related conditions. ClinVar contains an entry for this variant (Variation ID: 205000). Advanced modeling of protein sequence and biophysical properties (such as structural, functional, and spatial information, amino acid conservation, physicochemical variation, residue mobility, and thermodynamic stability) performed at Invitae indicates that this missense variant is not expected to disrupt CHRNA4 protein function. In summary, the available evidence is currently insufficient to determine the role of this variant in disease. Therefore, it has been classified as a Variant of Uncertain Significance.

GeneDx
Classification: Likely benign. Last evaluated: 2013-07-09. Review status: criteria provided, single submitter. Criteria: GeneDx Variant Classification (06012015). Collection method: clinical testing. Allele origin: germline. Affected: yes.
Comment: This variant is considered likely benign or benign based on one or more of the following criteria: it is a conservative change, it occurs at a poorly conserved position in the protein, it is predicted to be benign by multiple in silico algorithms, and/or has population frequency not consistent with disease.

NM_000744.7(CHRNA4):c.1532C>T (p.Ala511Val)

Gene: CHRNA4 (cholinergic receptor nicotinic alpha 4 subunit; minus strand). Cytogenetic location: 20q13.33.
Variant type: single nucleotide variant.
Coding change: c.1532C>T on transcript NM_000744.7 (MANE Select); coding-DNA position 1532, C replaced by T.
Protein change: p.Ala511Val; replaces alanine 511 with valine.
Molecular consequence: missense variant. On other transcripts: non-coding transcript variant (1).
Genome position (GRCh38, 1-based): chr20:63,349,879, G>A on the plus strand (C>T on the coding strand, the complement: CHRNA4 is on the minus strand). VCF-style: chr20-63349879-G-A. GRCh37 (hg19) VCF-style: chr20-61981231-G-A.
Other names: p.A511V:GCC>GTC; c.1004C>T, p.Ala335Val (NM_001256573.2); short protein forms A511V, A335V.
Identifiers: ClinVar variation 205000 (VCV000205000.7), dbSNP rs368476334, ClinGen allele CA313520.